The following is an entry in ClinVar:

NM_032119.4(ADGRV1):c.7540C>A (p.Gln2514Lys)

Gene: ADGRV1 (adhesion G protein-coupled receptor V1; plus strand). Cytogenetic location: 5q14.3.
Variant type: single nucleotide variant.
Coding change: c.7540C>A on transcript NM_032119.4 (MANE Select); coding-DNA position 7540, C replaced by A.
Protein change: p.Gln2514Lys; replaces glutamine 2514 with lysine.
Molecular consequence: missense variant. On other transcripts: non-coding transcript variant (1).
Genome position (GRCh38, 1-based): chr5:90,694,296, C>A. VCF-style: chr5-90694296-C-A. GRCh37 (hg19) VCF-style: chr5-89990113-C-A.
Other names: short protein forms Q2514K.
Identifiers: ClinVar variation 1051343 (VCV001051343.9), dbSNP rs773304993, ClinGen allele CA360379066.
Genomic context (GRCh38, chr5:90,694,296, plus strand): 5'-AGTGGTCAGGCTGTGGCTGGGAGTGACTATGAGCCTGTGACAAGGCAATGGGCCATAATG[C>A]AGGAAGGTGATGAATTCGCAAATCTCACAGTGTCTATTCTTCCTGATGATTTCCCAGAGA-3'
Protein context (NP_115495.3, residues 2504-2524): EPVTRQWAIM[Gln2514Lys]EGDEFANLTV

ClinVar aggregate classification (germline): Uncertain significance (1 of 4 stars; one submission).

Submission:

Labcorp Genetics (formerly Invitae), Labcorp
Classification: Uncertain significance. Last evaluated: 2020-01-31. Review status: criteria provided, single submitter. Criteria: Invitae Variant Classification Sherloc (09022015). Collection method: clinical testing. Allele origin: germline.
Comment: In summary, the available evidence is currently insufficient to determine the role of this variant in disease. Therefore, it has been classified as a Variant of Uncertain Significance. Algorithms developed to predict the effect of missense changes on protein structure and function (SIFT, PolyPhen-2, Align-GVGD) all suggest that this variant is likely to be tolerated, but these predictions have not been confirmed by published functional studies and their clinical significance is uncertain. This variant has not been reported in the literature in individuals with ADGRV1-related conditions. This variant is not present in population databases (ExAC no frequency). This sequence change replaces glutamine with lysine at codon 2514 of the ADGRV1 protein (p.Gln2514Lys). The glutamine residue is weakly conserved and there is a small physicochemical difference between glutamine and lysine.